The following is an entry in ClinVar:

NM_000051.4(ATM):c.1941A>C (p.Glu647Asp)

Gene: ATM (ATM serine/threonine kinase; plus strand). Cytogenetic location: 11q22.3.
Variant type: single nucleotide variant.
Coding change: c.1941A>C on transcript NM_000051.4 (MANE Select); coding-DNA position 1941, A replaced by C.
Protein change: p.Glu647Asp; replaces glutamic acid 647 with aspartic acid.
Molecular consequence: missense variant.
Genome position (GRCh38, 1-based): chr11:108,253,856, A>C. VCF-style: chr11-108253856-A-C. GRCh37 (hg19) VCF-style: chr11-108124583-A-C.
Other names: c.1941A>C, p.Glu647Asp (NM_001351834.2); short protein forms E647D.
Identifiers: ClinVar variation 964287 (VCV000964287.8), dbSNP rs2080297000, ClinGen allele CA382536621.
Genomic context (GRCh38, chr11:108,253,856, plus strand): 5'-GATCTTACTTTCTTGAAGTGAACACCACCAAAAAGATAAAGAAGAACTTTCATTCTCAGA[A>C]GTAGAAGAACTATTTCTTCAGACAACTTTTGACAAGATGGACTTTTTAACCATTGTGAGA-3'
Protein context (NP_000042.3, residues 637-657): QKDKEELSFS[Glu647Asp]VEELFLQTTF

ClinVar aggregate classification (germline): Uncertain significance. Review status: criteria provided, multiple submitters, no conflicts (2 of 4 stars). 2 submissions from 2 submitters: Uncertain significance (2). Last evaluated 2025-09-22.

Conditions:
Ataxia-telangiectasia syndrome (AT). Also called: ATAXIA-TELANGIECTASIA, FRESNO VARIANT; Ataxia-telangiectasia, complementation group E; Ataxia telangiectasia (A-T); LOUIS-BAR SYNDROME; Ataxia-telangiectasia, complementation group D; AT, COMPLEMENTATION GROUP C. Identifiers: Orphanet 100, MedGen C0004135, MONDO:0008840, OMIM 208900.
Hereditary cancer-predisposing syndrome. Also called: Hereditary neoplastic syndrome; Hereditary Cancer Syndrome; Tumor predisposition; Neoplastic Syndromes, Hereditary. Identifiers: Orphanet 140162, MedGen C0027672, MeSH D009386, MONDO:0015356.

Allele frequency attached by ClinVar (database versions not stated): gnomAD exomes below 0.00001.
gnomAD v4.1: 1 of 1,613,980 alleles (0.000062%); highest among the groups gnomAD compares: Non-Finnish European, 0.000085%; no homozygotes.

Submissions (2):

Labcorp Genetics (formerly Invitae), Labcorp
Classification: Uncertain significance for Ataxia-telangiectasia syndrome. Last evaluated: 2025-09-22. Review status: criteria provided, single submitter. Criteria: Invitae Variant Classification Sherloc (09022015). Collection method: clinical testing. Allele origin: germline.
Comment: This sequence change replaces glutamic acid, which is acidic and polar, with aspartic acid, which is acidic and polar, at codon 647 of the ATM protein (p.Glu647Asp). This variant is not present in population databases (gnomAD no frequency). This variant has not been reported in the literature in individuals affected with ATM-related conditions. ClinVar contains an entry for this variant (Variation ID: 964287). Invitae Evidence Modeling of protein sequence and biophysical properties (such as structural, functional, and spatial information, amino acid conservation, physicochemical variation, residue mobility, and thermodynamic stability) indicates that this missense variant is not expected to disrupt ATM protein function with a negative predictive value of 95%. RNA analysis performed to evaluate the impact of this missense change on mRNA splicing indicates it does not significantly alter splicing (internal data). In summary, the available evidence is currently insufficient to determine the role of this variant in disease. Therefore, it has been classified as a Variant of Uncertain Significance.

Ambry Genetics
Classification: Uncertain significance for Hereditary cancer-predisposing syndrome. Last evaluated: 2024-02-24. Review status: criteria provided, single submitter. Criteria: Ambry Variant Classification Scheme 2023. Collection method: clinical testing. Allele origin: germline.
Comment: The p.E647D variant (also known as c.1941A>C), located in coding exon 12 of the ATM gene, results from an A to C substitution at nucleotide position 1941. The glutamic acid at codon 647 is replaced by aspartic acid, an amino acid with highly similar properties. This amino acid position is conserved. In addition, this alteration is predicted to be tolerated by in silico analysis. Based on the available evidence, the clinical significance of this alteration remains unclear.